The following is an entry in ClinVar:

NM_001171.6(ABCC6):c.4240C>T (p.Arg1414Cys)

Gene: ABCC6 (ATP binding cassette subfamily C member 6; minus strand). Cytogenetic location: 16p13.11.
Variant type: single nucleotide variant.
Coding change: c.4240C>T on transcript NM_001171.6 (MANE Select); coding-DNA position 4240, C replaced by T.
Protein change: p.Arg1414Cys; replaces arginine 1414 with cysteine.
Molecular consequence: missense variant. On other transcripts: non-coding transcript variant (1).
Genome position (GRCh38, 1-based): chr16:16,150,741, G>A on the plus strand (C>T on the coding strand, the complement: ABCC6 is on the minus strand). VCF-style: chr16-16150741-G-A. GRCh37 (hg19) VCF-style: chr16-16244598-G-A.
Other names: c.3898C>T, p.Arg1300Cys (NM_001351800.1); short protein forms R1300C, R1414C.
Identifiers: ClinVar variation 1430174 (VCV001430174.7), dbSNP rs760611511, ClinGen allele CA7925249.
Genomic context (GRCh38, chr16:16,150,741, plus strand): 5'-GGTCCACGGCAGCAGTAGCCTCGTCCAGGATGAGGATCTGGGTCTTCCGGAGAAGGGCAC[G>A]TGCCAGACACAGGAGCTGTTTCTGGCCCACGCTGGGAACGATTGGGACAATTAGCTGGGA-3'
Protein context (NP_001162.5, residues 1404-1424): VGQKQLLCLA[Arg1414Cys]ALLRKTQILI

ClinVar aggregate classification (germline): Conflicting classifications of pathogenicity. Review status: criteria provided, conflicting classifications (1 of 4 stars). 2 submissions from 2 submitters: Likely pathogenic (1); Uncertain significance (1). Last evaluated 2025-08-29.

Allele frequency attached by ClinVar (database versions not stated): gnomAD 0.00001.
gnomAD v4.1: 31 of 1,613,758 alleles (0.0019%); highest among the groups gnomAD compares: East Asian, 0.0045%; no homozygotes.

Submissions (2):

Labcorp Genetics (formerly Invitae), Labcorp
Classification: Likely pathogenic. Last evaluated: 2025-08-29. Review status: criteria provided, single submitter. Criteria: Invitae Variant Classification Sherloc (09022015). Collection method: clinical testing. Allele origin: germline.
Comment: This sequence change replaces arginine, which is basic and polar, with cysteine, which is neutral and slightly polar, at codon 1414 of the ABCC6 protein (p.Arg1414Cys). This variant is present in population databases (rs760611511, gnomAD 0.003%). This missense change has been observed in individual(s) with clinical features of pseudoxanthoma elasticum (PMID: 28102862; internal data). ClinVar contains an entry for this variant (Variation ID: 1430174). Invitae Evidence Modeling of protein sequence and biophysical properties (such as structural, functional, and spatial information, amino acid conservation, physicochemical variation, residue mobility, and thermodynamic stability) indicates that this missense variant is expected to disrupt ABCC6 protein function with a positive predictive value of 95%. In summary, the currently available evidence indicates that the variant is pathogenic, but additional data are needed to prove that conclusively. Therefore, this variant has been classified as Likely Pathogenic.

Blueprint Genetics
Classification: Uncertain significance. Last evaluated: 2022-10-10. Review status: criteria provided, single submitter. Criteria: ACMG Guidelines, 2015. Collection method: clinical testing. Allele origin: germline.

Literature cited by the submitters: PubMed 28102862 (cited by Labcorp Genetics (formerly Invitae), Labcorp).